The following is an entry in ClinVar:

ClinVar aggregate classification (germline): Uncertain significance (1 of 4 stars; one submission).

Conditions:
Spastic paraplegia. Identifiers: MedGen C0037772, HP:0001258.

Submission:

Labcorp Genetics (formerly Invitae), Labcorp
Classification: Uncertain significance for Spastic paraplegia. Last evaluated: 2019-07-19. Review status: criteria provided, single submitter. Criteria: Invitae Variant Classification Sherloc (09022015). Collection method: clinical testing. Allele origin: germline.
Comment: This sequence change replaces glutamic acid with lysine at codon 1028 of the KIF5A protein (p.Glu1028Lys). The glutamic acid residue is moderately conserved and there is a small physicochemical difference between glutamic acid and lysine. This variant is not present in population databases (ExAC no frequency). In summary, the available evidence is currently insufficient to determine the role of this variant in disease. Therefore, it has been classified as a Variant of Uncertain Significance. Algorithms developed to predict the effect of missense changes on protein structure and function are either unavailable or do not agree on the potential impact of this missense change (SIFT: "Deleterious"; PolyPhen-2: "Probably Damaging"; Align-GVGD: "Class C0"). This variant has not been reported in the literature in individuals with KIF5A-related conditions.

NM_004984.4(KIF5A):c.3082G>A (p.Glu1028Lys)

Gene: KIF5A (kinesin family member 5A; plus strand). Cytogenetic location: 12q13.3.
Variant type: single nucleotide variant.
Coding change: c.3082G>A on transcript NM_004984.4 (MANE Select); coding-DNA position 3082, G replaced by A.
Protein change: p.Glu1028Lys; replaces glutamic acid 1028 with lysine.
Molecular consequence: missense variant.
Genome position (GRCh38, 1-based): chr12:57,583,162, G>A. VCF-style: chr12-57583162-G-A. GRCh37 (hg19) VCF-style: chr12-57976945-G-A.
Other names: c.2815G>A, p.Glu939Lys (NM_001354705.2); short protein forms E1028K, E939K.
Identifiers: ClinVar variation 947352 (VCV000947352.9), dbSNP rs1882658654, ClinGen allele CA385517656.